The following is an entry in ClinVar:

ClinVar aggregate classification (germline): Likely benign (0 of 4 stars; one submission).

Conditions:
SMC1A-related disorder. Also called: SMC1A-related condition.

Allele frequency attached by ClinVar (database versions not stated): gnomAD exomes below 0.00001; TOPMed below 0.00001.

Submission:

PreventionGenetics, part of Exact Sciences
Classification: Likely benign for SMC1A-related condition. Last evaluated: 2023-09-13. Review status: no assertion criteria provided. Collection method: clinical testing. Allele origin: germline.
Comment: This variant is classified as likely benign based on ACMG/AMP sequence variant interpretation guidelines (Richards et al. 2015 PMID: 25741868, with internal and published modifications).

NM_006306.4(SMC1A):c.1326C>T (p.Ile442=)

Gene: SMC1A (structural maintenance of chromosomes 1A; minus strand). Cytogenetic location: Xp11.22.
Variant type: single nucleotide variant.
Coding change: c.1326C>T on transcript NM_006306.4 (MANE Select); coding-DNA position 1326, C replaced by T.
Protein change: p.Ile442=; no amino-acid change (isoleucine 442 retained).
Molecular consequence: synonymous variant.
Genome position (GRCh38, 1-based): chrX:53,409,432, G>A on the plus strand (C>T on the coding strand, the complement: SMC1A is on the minus strand). VCF-style: chrX-53409432-G-A. GRCh37 (hg19) VCF-style: chrX-53436363-G-A.
Other names: c.1260C>T, p.Ile420= (NM_001281463.1).
Identifiers: ClinVar variation 3053357 (VCV003053357.2), dbSNP rs1189327306, ClinGen allele CA516562031.